The following is an entry in ClinVar:

ClinVar aggregate classification (germline): Pathogenic (1 of 4 stars; one submission).

Conditions:
Primary ciliary dyskinesia. Also called: Ciliary dyskinesia. Identifiers: Orphanet 244, MedGen C0008780, MONDO:0016575, HP:0012265.

gnomAD v4.1: 13 of 1,613,214 alleles (0.00081%); highest among the groups gnomAD compares: South Asian, 0.0022%; no homozygotes.

Submission:

Labcorp Genetics (formerly Invitae), Labcorp
Classification: Pathogenic for Primary ciliary dyskinesia. Last evaluated: 2025-11-05. Review status: criteria provided, single submitter. Criteria: Invitae Variant Classification Sherloc (09022015). Collection method: clinical testing. Allele origin: germline.
Comment: This sequence change creates a premature translational stop signal (p.Arg1302*) in the DNAH8 gene. It is expected to result in an absent or disrupted protein product. Loss-of-function variants in DNAH8 are known to be pathogenic (PMID: 24307375, 32619401, 32681648). This variant is present in population databases (rs760107925, gnomAD 0.006%). This variant has not been reported in the literature in individuals affected with DNAH8-related conditions. ClinVar contains an entry for this variant (Variation ID: 3626295). For these reasons, this variant has been classified as Pathogenic.

Literature cited by the submitters: PubMed 24307375; PubMed 32619401; PubMed 32681648.

NM_001206927.2(DNAH8):c.3904C>T (p.Arg1302Ter)

Gene: DNAH8 (dynein axonemal heavy chain 8; plus strand). Cytogenetic location: 6p21.2.
Variant type: single nucleotide variant.
Coding change: c.3904C>T on transcript NM_001206927.2 (MANE Select); coding-DNA position 3904, C replaced by T.
Protein change: p.Arg1302Ter; replaces arginine 1302 with a stop codon.
Molecular consequence: nonsense.
Genome position (GRCh38, 1-based): chr6:38,826,212, C>T. VCF-style: chr6-38826212-C-T. GRCh37 (hg19) VCF-style: chr6-38793988-C-T.
Other names: c.3253C>T, p.Arg1085Ter (NM_001371.4); short protein forms R1085*, R1302*.
Identifiers: ClinVar variation 3626295 (VCV003626295.2).